The following is an entry in ClinVar:

ClinVar aggregate classification (germline): Uncertain significance (1 of 4 stars; one submission).

Allele frequency attached by ClinVar (database versions not stated): gnomAD 0.00002; ExAC 0.00003.

Submission:

Labcorp Genetics (formerly Invitae), Labcorp
Classification: Uncertain significance. Last evaluated: 2024-04-30. Review status: criteria provided, single submitter. Criteria: Invitae Variant Classification Sherloc (09022015). Collection method: clinical testing. Allele origin: germline.
Comment: This sequence change replaces methionine, which is neutral and non-polar, with lysine, which is basic and polar, at codon 32 of the PSMB4 protein (p.Met32Lys). This variant is present in population databases (rs752044137, gnomAD 0.03%). This variant has not been reported in the literature in individuals affected with PSMB4-related conditions. An algorithm developed to predict the effect of missense changes on protein structure and function (PolyPhen-2) suggests that this variant is likely to be tolerated. In summary, the available evidence is currently insufficient to determine the role of this variant in disease. Therefore, it has been classified as a Variant of Uncertain Significance.

NM_002796.3(PSMB4):c.95T>A (p.Met32Lys)

Gene: PSMB4 (proteasome 20S subunit beta 4; plus strand). Cytogenetic location: 1q21.3.
Variant type: single nucleotide variant.
Coding change: c.95T>A on transcript NM_002796.3 (MANE Select); coding-DNA position 95, T replaced by A.
Protein change: p.Met32Lys; replaces methionine 32 with lysine.
Molecular consequence: missense variant.
Genome position (GRCh38, 1-based): chr1:151,399,682, T>A. VCF-style: chr1-151399682-T-A. GRCh37 (hg19) VCF-style: chr1-151372158-T-A.
Other names: short protein forms M32K.
Identifiers: ClinVar variation 3005736 (VCV003005736.3), dbSNP rs752044137, ClinGen allele CA1090569.